The following is an entry in ClinVar:

NM_182961.4(SYNE1):c.5734G>A (p.Ala1912Thr)

Gene: SYNE1 (spectrin repeat containing nuclear envelope protein 1; minus strand). Cytogenetic location: 6q25.2.
Variant type: single nucleotide variant.
Coding change: c.5734G>A on transcript NM_182961.4 (MANE Select); coding-DNA position 5734, G replaced by A.
Protein change: p.Ala1912Thr; replaces alanine 1912 with threonine.
Molecular consequence: missense variant.
Genome position (GRCh38, 1-based): chr6:152,416,703, C>T on the plus strand (G>A on the coding strand, the complement: SYNE1 is on the minus strand). VCF-style: chr6-152416703-C-T. GRCh37 (hg19) VCF-style: chr6-152737838-C-T.
Other names: c.5755G>A, p.Ala1919Thr (NM_033071.5); short protein forms A1919T, A1912T.
Identifiers: ClinVar variation 2128051 (VCV002128051.4), dbSNP rs2496930429, ClinGen allele CA366132794.

ClinVar aggregate classification (germline): Uncertain significance (1 of 4 stars; one submission).

Conditions:
Emery-Dreifuss muscular dystrophy 4, autosomal dominant (EDMD4). Also called: EMERY-DREIFUSS MUSCULAR DYSTROPHY 4 WITH VARIABLE FEATURES. Identifiers: Orphanet 261, MedGen C2751807, MONDO:0013071, OMIM 612998.
Autosomal recessive ataxia, Beauce type. Also called: SYNE1 Deficiency; Spinocerebellar ataxia, autosomal recessive 8; ATAXIA, RECESSIVE, OF BEAUCE; SYNE1-Related Autosomal Recessive Cerebellar Ataxia. Identifiers: Orphanet 88644, MedGen C1853116, MONDO:0012549, OMIM 610743.

Submission:

Labcorp Genetics (formerly Invitae), Labcorp
Classification: Uncertain significance for Emery-Dreifuss muscular dystrophy 4, autosomal dominant; Autosomal recessive ataxia, Beauce type. Last evaluated: 2022-07-01. Review status: criteria provided, single submitter. Criteria: Invitae Variant Classification Sherloc (09022015). Collection method: clinical testing. Allele origin: germline.
Comment: In summary, the available evidence is currently insufficient to determine the role of this variant in disease. Therefore, it has been classified as a Variant of Uncertain Significance. Algorithms developed to predict the effect of missense changes on protein structure and function are either unavailable or do not agree on the potential impact of this missense change (SIFT: "Deleterious"; PolyPhen-2: "Benign"; Align-GVGD: "Class C0"). This variant has not been reported in the literature in individuals affected with SYNE1-related conditions. This variant is not present in population databases (gnomAD no frequency). This sequence change replaces alanine, which is neutral and non-polar, with threonine, which is neutral and polar, at codon 1919 of the SYNE1 protein (p.Ala1919Thr).